The following is an entry in ClinVar:

NM_000297.4(PKD2):c.596-59A>G

Gene: PKD2 (polycystin 2, transient receptor potential cation channel; plus strand). Cytogenetic location: 4q22.1.
Variant type: single nucleotide variant.
Coding change: c.596-59A>G on transcript NM_000297.4 (MANE Select); 59 bases into the intron before coding-DNA position 596, A replaced by G.
Molecular consequence: intron variant.
Genome position (GRCh38, 1-based): chr4:88,019,399, A>G. VCF-style: chr4-88019399-A-G. GRCh37 (hg19) VCF-style: chr4-88940551-A-G.
Other names: c.596-59A>G (NM_000297.3).
Identifiers: ClinVar variation 2572945 (VCV002572945.4), dbSNP rs750504141, ClinGen allele CA100880857.

ClinVar aggregate classification (germline): Uncertain significance. Review status: criteria provided, multiple submitters, no conflicts (2 of 4 stars). 3 submissions from 3 submitters: Uncertain significance (2). 1 of the submissions does not count toward it. Last evaluated 2023-06-29.

Conditions:
Polycystic kidney disease 2 (PKD2). Also called: POLYCYSTIC KIDNEY DISEASE, ADULT, TYPE II; POLYCYSTIC KIDNEY DISEASE 2 WITH OR WITHOUT POLYCYSTIC LIVER DISEASE; Polycystic Kidney Disease 2, Autosomal Dominant. Identifiers: MedGen C2751306, MONDO:0013131, OMIM 613095.
PKD2-related disorder. Also called: PKD2-related condition.

Allele frequency attached by ClinVar (database versions not stated): gnomAD exomes 0.00005; TOPMed 0.00006; gnomAD 0.00007.
gnomAD v4.1: 51 of 876,088 alleles (0.0058%); highest among the groups gnomAD compares: Admixed American, 0.017%; no homozygotes.

Submissions (3):

3billion
Classification: Uncertain significance for Polycystic kidney disease 2. Last evaluated: 2023-06-29. Review status: criteria provided, single submitter. Criteria: ACMG Guidelines, 2015. Collection method: clinical testing. Allele origin: germline. Affected: yes.
Comment: The variant is observed at an extremely low frequency in the gnomAD v2.1.1 dataset (total allele frequency: 0.003%). Predicted Consequence/Location: Intron variant The variant has been reported to be associated with PKD2 related disorder (PMID: 29321346). However, the evidence of pathogenicity is insufficient at this time. Therefore, this variant is classified as VUS according to the recommendation of ACMG/AMP guideline.

GeneDx
Classification: Uncertain significance. Last evaluated: 2023-01-17. Review status: criteria provided, single submitter. Criteria: GeneDx Variant Classification Process June 2021. Collection method: clinical testing. Allele origin: germline. Affected: yes.
Comment: Reported in a patient with polycystic kidney disease in published literature (Raj et al., 2017); clinical information not provided; In silico analysis supports that this variant does not alter splicing; This variant is associated with the following publications: (PMID: 29321346)

PreventionGenetics, part of Exact Sciences
Classification: Likely benign for PKD2-related condition. Last evaluated: 2019-09-19. Review status: no assertion criteria provided. Collection method: clinical testing. Allele origin: germline. Not counted in ClinVar's aggregate classification.
Comment: This variant is classified as likely benign based on ACMG/AMP sequence variant interpretation guidelines (Richards et al. 2015 PMID: 25741868, with internal and published modifications).

Literature cited by the submitters: PubMed 29321346 (cited by 3billion).